The following is an entry in ClinVar:

ClinVar aggregate classification (germline): Uncertain significance (1 of 4 stars; one submission).

Submission:

Labcorp Genetics (formerly Invitae), Labcorp
Classification: Uncertain significance. Last evaluated: 2022-11-03. Review status: criteria provided, single submitter. Criteria: Invitae Variant Classification Sherloc (09022015). Collection method: clinical testing. Allele origin: germline.
Comment: This sequence change replaces isoleucine, which is neutral and non-polar, with methionine, which is neutral and non-polar, at codon 422 of the ADAMTS18 protein (p.Ile422Met). In summary, the available evidence is currently insufficient to determine the role of this variant in disease. Therefore, it has been classified as a Variant of Uncertain Significance. Algorithms developed to predict the effect of missense changes on protein structure and function are either unavailable or do not agree on the potential impact of this missense change (SIFT: "Not Available"; PolyPhen-2: "Probably Damaging"; Align-GVGD: "Not Available"). This variant has not been reported in the literature in individuals affected with ADAMTS18-related conditions. This variant is not present in population databases (gnomAD no frequency).

NM_199355.4(ADAMTS18):c.1266C>G (p.Ile422Met)

Gene: ADAMTS18 (ADAM metallopeptidase with thrombospondin type 1 motif 18; minus strand). Cytogenetic location: 16q23.1.
Variant type: single nucleotide variant.
Coding change: c.1266C>G on transcript NM_199355.4 (MANE Select); coding-DNA position 1266, C replaced by G.
Protein change: p.Ile422Met; replaces isoleucine 422 with methionine.
Molecular consequence: missense variant.
Genome position (GRCh38, 1-based): chr16:77,359,374, G>C on the plus strand (C>G on the coding strand, the complement: ADAMTS18 is on the minus strand). VCF-style: chr16-77359374-G-C. GRCh37 (hg19) VCF-style: chr16-77393271-G-C.
Other names: c.750C>G, p.Ile250Met (NM_001326358.2); short protein forms I422M, I250M.
Identifiers: ClinVar variation 1517424 (VCV001517424.8), dbSNP rs372959812, ClinGen allele CA284432505.
Genomic context (GRCh38, chr16:77,359,374, plus strand): 5'-TTACTTGTGCCCTGACTCATGAGCGATGGTGAAGGCAAGGCCAAGTCCTGTGTCCTCATT[G>C]ATGGTACAACTTCGGTACTTAGAGCACATTCCACTGATGGGGGCAAACCCTATTGAAAGA-3'
Protein context (NP_955387.1, residues 412-432): GMCSKYRSCT[Ile422Met]NEDTGLGLAF